The following is an entry in ClinVar:

ClinVar aggregate classification (germline): Benign. Review status: criteria provided, multiple submitters, no conflicts (2 of 4 stars). 3 submissions from 3 submitters: Benign (2). 1 of the submissions does not count toward it. Last evaluated 2026-02-01.

Conditions:
NAXD-related disorder. Also called: NAXD-related condition.

Allele frequency attached by ClinVar (database versions not stated): gnomAD exomes 0.00986 and 0.02106; ExAC 0.02394; gnomAD 0.02933 and 0.03072; 1000 Genomes Project 0.06350; ESP Exome Variant Server 0.03091; TOPMed 0.03255; 1000 Genomes Project 30x 0.06262.
gnomAD v4.1: 19,456 of 1,614,054 alleles (1.2%); highest among the groups gnomAD compares: African/African-American, 8.9%; 792 homozygotes.

Submissions (3):

Labcorp Genetics (formerly Invitae), Labcorp
Classification: Benign. Last evaluated: 2026-02-01. Review status: criteria provided, single submitter. Criteria: Invitae Variant Classification Sherloc (09022015). Collection method: clinical testing. Allele origin: germline.

Breakthrough Genomics
Classification: Benign. Review status: criteria provided, single submitter. Criteria: ACMG Guidelines, 2015. Collection method: not provided. Allele origin: germline. Inheritance: Autosomal recessive inheritance. Affected: yes.

PreventionGenetics, part of Exact Sciences
Classification: Benign for NAXD-related condition. Last evaluated: 2020-01-23. Review status: no assertion criteria provided. Collection method: clinical testing. Allele origin: germline. Not counted in ClinVar's aggregate classification.
Comment: This variant is classified as benign based on ACMG/AMP sequence variant interpretation guidelines (Richards et al. 2015 PMID: 25741868, with internal and published modifications).

NM_001242882.2(NAXD):c.391G>A (p.Val131Ile)

Gene: NAXD (NAD(P)HX dehydratase; plus strand). Cytogenetic location: 13q34.
Variant type: single nucleotide variant.
Coding change: c.391G>A on transcript NM_001242882.2 (MANE Select); coding-DNA position 391, G replaced by A.
Protein change: p.Val131Ile; replaces valine 131 with isoleucine.
Molecular consequence: missense variant. On other transcripts: non-coding transcript variant (2).
Genome position (GRCh38, 1-based): chr13:110,627,497, G>A. VCF-style: chr13-110627497-G-A. GRCh37 (hg19) VCF-style: chr13-111279844-G-A.
Other names: c.445G>A, p.Val149Ile (NM_001242881.2, NM_018210.4); c.115G>A, p.Val39Ile (NM_001242883.2); c.445G>A (NM_018210.3); short protein forms V131I, V149I, V39I.
Identifiers: ClinVar variation 1169630 (VCV001169630.12), dbSNP rs3742192, ClinGen allele CA7051177.